The following is an entry in ClinVar:

NM_001458.5(FLNC):c.3931A>G (p.Thr1311Ala)

Gene: FLNC (filamin C; plus strand). Cytogenetic location: 7q32.1.
Variant type: single nucleotide variant.
Coding change: c.3931A>G on transcript NM_001458.5 (MANE Select); coding-DNA position 3931, A replaced by G.
Protein change: p.Thr1311Ala; replaces threonine 1311 with alanine.
Molecular consequence: missense variant.
Genome position (GRCh38, 1-based): chr7:128,846,130, A>G. VCF-style: chr7-128846130-A-G. GRCh37 (hg19) VCF-style: chr7-128486184-A-G.
Other names: c.3931A>G, p.Thr1311Ala (NM_001127487.2); short protein forms T1311A.
Identifiers: ClinVar variation 4975560 (VCV004975560.1).

ClinVar aggregate classification (germline): Uncertain significance (1 of 4 stars; one submission).

gnomAD v4.1: 1 of 1,613,890 alleles (0.000062%); highest among the groups gnomAD compares: Non-Finnish European, 0.000085%; no homozygotes.

Submission:

GeneDx
Classification: Uncertain significance. Last evaluated: 2026-01-31. Review status: criteria provided, single submitter. Criteria: GeneDx Variant Classification Process June 2021. Collection method: clinical testing. Allele origin: germline.
Comment: Not observed at significant frequency in large population cohorts (gnomAD); In silico analysis supports that this missense variant has a deleterious effect on protein structure/function; Has not been previously published as pathogenic or benign to our knowledge